The following is an entry in ClinVar:

NM_182961.4(SYNE1):c.21302T>G (p.Met7101Arg)

Gene: SYNE1 (spectrin repeat containing nuclear envelope protein 1; minus strand). Cytogenetic location: 6q25.2.
Variant type: single nucleotide variant.
Coding change: c.21302T>G on transcript NM_182961.4 (MANE Select); coding-DNA position 21302, T replaced by G.
Protein change: p.Met7101Arg; replaces methionine 7101 with arginine.
Molecular consequence: missense variant.
Genome position (GRCh38, 1-based): chr6:152,225,770, A>C on the plus strand (T>G on the coding strand, the complement: SYNE1 is on the minus strand). VCF-style: chr6-152225770-A-C. GRCh37 (hg19) VCF-style: chr6-152546905-A-C.
Other names: c.21089T>G (NM_033071.3); c.21089T>G, p.Met7030Arg (NM_033071.5); short protein forms M7030R, M7101R.
Identifiers: ClinVar variation 1043150 (VCV001043150.11), dbSNP rs769405487, ClinGen allele CA150187977.

ClinVar aggregate classification (germline): Uncertain significance. Review status: criteria provided, multiple submitters, no conflicts (2 of 4 stars). 2 submissions from 2 submitters: Uncertain significance (2). Last evaluated 2021-12-28.

Conditions:
Emery-Dreifuss muscular dystrophy 4, autosomal dominant (EDMD4). Also called: EMERY-DREIFUSS MUSCULAR DYSTROPHY 4 WITH VARIABLE FEATURES. Identifiers: Orphanet 261, MedGen C2751807, MONDO:0013071, OMIM 612998.
Autosomal recessive ataxia, Beauce type. Also called: Spinocerebellar ataxia, autosomal recessive 8; ATAXIA, RECESSIVE, OF BEAUCE; SYNE1 Deficiency; SYNE1-Related Autosomal Recessive Cerebellar Ataxia. Identifiers: Orphanet 88644, MedGen C1853116, MONDO:0012549, OMIM 610743.

Allele frequency attached by ClinVar (database versions not stated): gnomAD 0.00001; TOPMed 0.00002.
gnomAD v4.1: 44 of 1,614,018 alleles (0.0027%); highest among the groups gnomAD compares: Non-Finnish European, 0.0037%; no homozygotes.

Submissions (2):

Labcorp Genetics (formerly Invitae), Labcorp
Classification: Uncertain significance for Emery-Dreifuss muscular dystrophy 4, autosomal dominant; Autosomal recessive ataxia, Beauce type. Last evaluated: 2021-12-28. Review status: criteria provided, single submitter. Criteria: Invitae Variant Classification Sherloc (09022015). Collection method: clinical testing. Allele origin: germline.
Comment: In summary, the available evidence is currently insufficient to determine the role of this variant in disease. Therefore, it has been classified as a Variant of Uncertain Significance. Algorithms developed to predict the effect of missense changes on protein structure and function output the following: SIFT: "Tolerated"; PolyPhen-2: "Benign"; Align-GVGD: "Class C0". The arginine amino acid residue is found in multiple mammalian species, which suggests that this missense change does not adversely affect protein function. ClinVar contains an entry for this variant (Variation ID: 1043150). This variant has not been reported in the literature in individuals affected with SYNE1-related conditions. This variant is present in population databases (no rsID available, gnomAD 0.0009%). This sequence change replaces methionine, which is neutral and non-polar, with arginine, which is basic and polar, at codon 7030 of the SYNE1 protein (p.Met7030Arg).

Revvity Omics, Revvity
Classification: Uncertain significance. Last evaluated: 2020-11-12. Review status: criteria provided, single submitter. Criteria: ACMG Guidelines, 2015. Collection method: clinical testing. Allele origin: germline.